The following is an entry in ClinVar:

ClinVar aggregate classification (germline): Conflicting classifications of pathogenicity. Review status: criteria provided, conflicting classifications (1 of 4 stars). 2 submissions from 2 submitters: Uncertain significance (1); Likely benign (1). Last evaluated 2025-11-24.

Conditions:
TRPV6-related disorder. Also called: TRPV6-related condition.

gnomAD v4.1: 243 of 1,613,892 alleles (0.015%); highest among the groups gnomAD compares: Non-Finnish European, 0.019%; no homozygotes.

Submissions (2):

Labcorp Genetics (formerly Invitae), Labcorp
Classification: Uncertain significance. Last evaluated: 2025-11-24. Review status: criteria provided, single submitter. Criteria: Invitae Variant Classification Sherloc (09022015). Collection method: clinical testing. Allele origin: germline.
Comment: This sequence change falls in intron 5 of the TRPV6 gene. It does not directly change the encoded amino acid sequence of the TRPV6 protein. It affects a nucleotide within the consensus splice site. This variant is present in population databases (rs375859937, gnomAD 0.02%). This variant has not been reported in the literature in individuals affected with TRPV6-related conditions. ClinVar contains an entry for this variant (Variation ID: 3708109). Variants that disrupt the consensus splice site are a relatively common cause of aberrant splicing (PMID: 17576681, 9536098). Algorithms developed to predict the effect of sequence changes on RNA splicing suggest that this variant is not likely to affect RNA splicing. In summary, the available evidence is currently insufficient to determine the role of this variant in disease. Therefore, it has been classified as a Variant of Uncertain Significance.

PreventionGenetics, part of Exact Sciences
Classification: Likely benign for TRPV6-related condition. Last evaluated: 2025-05-30. Review status: criteria provided, single submitter. Criteria: ACMG Guidelines, 2015. Collection method: clinical testing. Allele origin: germline.
Comment: This variant is classified as likely benign based on ACMG/AMP sequence variant interpretation guidelines (Richards et al. 2015 PMID: 25741868, with internal and published modifications).

Literature cited by the submitters: PubMed 17576681 (cited by Labcorp Genetics (formerly Invitae), Labcorp); PubMed 9536098 (cited by Labcorp Genetics (formerly Invitae), Labcorp).

NM_018646.6(TRPV6):c.707-3C>T

Gene: TRPV6 (transient receptor potential cation channel subfamily V member 6; minus strand). Cytogenetic location: 7q34.
Variant type: single nucleotide variant.
Coding change: c.707-3C>T on transcript NM_018646.6 (MANE Select); 3 bases into the intron before coding-DNA position 707, C replaced by T.
Molecular consequence: intron variant.
Genome position (GRCh38, 1-based): chr7:142,876,586, G>A on the plus strand (C>T on the coding strand, the complement: TRPV6 is on the minus strand). VCF-style: chr7-142876586-G-A. GRCh37 (hg19) VCF-style: chr7-142574339-G-A.
Other names: c.707-3C>T (NM_018646.5).
Identifiers: ClinVar variation 3708109 (VCV003708109.3).
Genomic context (GRCh38, chr7:142,876,586, plus strand): 5'-ATCTGGCAGGCAAAGGTTTTGTTGGGCTGGAGGATGAGGATGTGTAACACTGTGTTTCCT[G>A]GGGAGGACACAGGGTATCATGTGGCCACTGGCCTAAAGTCCCTGATGTCCCCATCCCCAC-3'